The following is an entry in ClinVar:

NM_000155.4(GALT):c.163G>T (p.Gly55Cys)

Genes: GALT (galactose-1-phosphate uridylyltransferase; plus strand), LOC130001683 (ATAC-STARR-seq lymphoblastoid active region 28314; plus strand). Cytogenetic location: 9p13.3.
Variant type: single nucleotide variant.
Coding change: c.163G>T on transcript NM_000155.4 (MANE Select); coding-DNA position 163, G replaced by T.
Protein change: p.Gly55Cys; replaces glycine 55 with cysteine.
Molecular consequence: missense variant. On other transcripts: 5 prime UTR variant (1).
Genome position (GRCh38, 1-based): chr9:34,647,169, G>T. VCF-style: chr9-34647169-G-T. GRCh37 (hg19) VCF-style: chr9-34647166-G-T.
Other names: c.-40G>T (NM_001258332.2); short protein forms G55C.
Identifiers: ClinVar variation 38285 (VCV000038285.5), dbSNP rs111033654, ClinGen allele CA259334.

Submission:

Seelig Lab, University of Washington
No classification provided (evidence only). Review status: no classification provided. Collection method: in vitro. Allele origin: not applicable. Functional consequence: effect on translation.
ClinVar note: "not provided" was previously submitted as the classification for the variant. However, the classification appeared to be based only on an observation of functional data so it was converted to no classification on 2025-07-30.